The following is an entry in ClinVar:

ClinVar aggregate classification (germline): Uncertain significance. Review status: criteria provided, multiple submitters, no conflicts (2 of 4 stars). 2 submissions from 2 submitters: Uncertain significance (2). Last evaluated 2021-08-30.

Allele frequency attached by ClinVar (database versions not stated): TOPMed below 0.00001; gnomAD exomes 0.00001.
gnomAD v4.1: 4 of 1,614,126 alleles (0.00025%); highest among the groups gnomAD compares: Non-Finnish European, 0.00034%; no homozygotes.

Submissions (2):

Labcorp Genetics (formerly Invitae), Labcorp
Classification: Uncertain significance. Last evaluated: 2021-08-30. Review status: criteria provided, single submitter. Criteria: Invitae Variant Classification Sherloc (09022015). Collection method: clinical testing. Allele origin: germline.

Ambry Genetics
Classification: Uncertain significance. Last evaluated: 2021-07-30. Review status: criteria provided, single submitter. Criteria: Ambry Variant Classification Scheme 2023. Collection method: clinical testing. Allele origin: germline.
Comment: The p.V39I variant (also known as c.115G>A), located in coding exon 2 of the A2ML1 gene, results from a G to A substitution at nucleotide position 115. The valine at codon 39 is replaced by isoleucine, an amino acid with highly similar properties. This amino acid position is conserved. In addition, this alteration is predicted to be tolerated by in silico analysis. Since supporting evidence is limited at this time, the clinical significance of this alteration remains unclear.

NM_144670.6(A2ML1):c.115G>A (p.Val39Ile)

Genes: A2ML1 (alpha-2-macroglobulin like 1; plus strand), A2ML1-AS1 (A2ML1 antisense RNA 1; minus strand). Cytogenetic location: 12p13.31.
Variant type: single nucleotide variant.
Coding change: c.115G>A on transcript NM_144670.6 (MANE Select); coding-DNA position 115, G replaced by A.
Protein change: p.Val39Ile; replaces valine 39 with isoleucine.
Molecular consequence: missense variant.
Genome position (GRCh38, 1-based): chr12:8,823,234, G>A. VCF-style: chr12-8823234-G-A. GRCh37 (hg19) VCF-style: chr12-8975830-G-A.
Other names: short protein forms V39I.
Identifiers: ClinVar variation 638924 (VCV000638924.6), dbSNP rs1185024239, ClinGen allele CA383817780.